The following is an entry in ClinVar:

ClinVar aggregate classification (germline): Benign/Likely benign. Review status: criteria provided, multiple submitters, no conflicts (2 of 4 stars). 8 submissions from 8 submitters: Benign (3); Likely benign (4). 1 of the submissions does not count toward it. Last evaluated 2026-05-01.

Conditions:
Brain small vessel disease 1 with or without ocular anomalies (BSVD1). Also called: PORENCEPHALY, TYPE 1, AUTOSOMAL DOMINANT; BRAIN SMALL VESSEL DISEASE WITH HEMORRHAGE; GOULD SYNDROME 1; Brain small vessel disease with or without ocular anomalies. Identifiers: Orphanet 2940, Orphanet 36383, Orphanet 99810, MedGen C4755307, MONDO:0008289, OMIM 175780.

Allele frequency attached by ClinVar (database versions not stated): gnomAD exomes 0.00029 and 0.00093; ExAC 0.00111; gnomAD 0.00328 and 0.00357; ESP Exome Variant Server 0.00354; TOPMed 0.00362; 1000 Genomes Project 0.00379; 1000 Genomes Project 30x 0.00453.
gnomAD v4.1: 938 of 1,614,104 alleles (0.058%); highest among the groups gnomAD compares: African/African-American, 1.1%; 6 homozygotes.

Submissions (8):

CeGaT Center for Human Genetics Tuebingen
Classification: Likely benign. Last evaluated: 2026-05-01. Review status: criteria provided, single submitter. Criteria: CeGaT Center For Human Genetics Tuebingen Variant Classification Criteria Version 2. Collection method: clinical testing. Allele origin: germline. Affected: yes. Observed: 2 variant alleles.
Comment: COL4A1: BS1

Labcorp Genetics (formerly Invitae), Labcorp
Classification: Benign. Last evaluated: 2026-02-01. Review status: criteria provided, single submitter. Criteria: Invitae Variant Classification Sherloc (09022015). Collection method: clinical testing. Allele origin: germline.

Blueprint Genetics
Classification: Likely benign. Last evaluated: 2024-11-27. Review status: criteria provided, single submitter. Criteria: ACMG Guidelines, 2015. Collection method: clinical testing. Allele origin: germline.

Athena Diagnostics
Classification: Benign. Last evaluated: 2024-01-30. Review status: criteria provided, single submitter. Criteria: Athena Diagnostics Criteria. Collection method: clinical testing. Allele origin: unknown.

Mayo Clinic Laboratories, Mayo Clinic
Classification: Benign. Last evaluated: 2023-11-10. Review status: criteria provided, single submitter. Criteria: ACMG Guidelines, 2015. Collection method: clinical testing. Allele origin: germline. Observed: 9 variant alleles.
Comment: BS1, BS2

GeneDx
Classification: Likely benign. Last evaluated: 2021-04-02. Review status: criteria provided, single submitter. Criteria: GeneDx Variant Classification Process June 2021. Collection method: clinical testing. Allele origin: germline. Affected: yes.

Breakthrough Genomics
Classification: Likely benign. Review status: criteria provided, single submitter. Criteria: ACMG Guidelines, 2015. Collection method: not provided. Allele origin: germline. Inheritance: Autosomal dominant inheritance. Affected: yes.

UOSD Laboratory of Genetics & Genomics of Rare Diseases, Istituto Giannina Gaslini
Classification: Uncertain significance for Brain small vessel disease with or without ocular anomalies. Last evaluated: 2020-03-17. Review status: no assertion criteria provided. Collection method: clinical testing. Allele origin: germline. Affected: yes. Observed: 1 variant allele. Not counted in ClinVar's aggregate classification.

Literature cited by the submitters: PubMed 32818659 (cited by 3 submitters).

NM_001845.6(COL4A1):c.911C>T (p.Pro304Leu)

Gene: COL4A1 (collagen type IV alpha 1 chain; minus strand). Cytogenetic location: 13q34.
Variant type: single nucleotide variant.
Coding change: c.911C>T on transcript NM_001845.6 (MANE Select); coding-DNA position 911, C replaced by T.
Protein change: p.Pro304Leu; replaces proline 304 with leucine.
Molecular consequence: missense variant.
Genome position (GRCh38, 1-based): chr13:110,205,399, G>A on the plus strand (C>T on the coding strand, the complement: COL4A1 is on the minus strand). VCF-style: chr13-110205399-G-A. GRCh37 (hg19) VCF-style: chr13-110857746-G-A.
Other names: p.Pro304Leu; c.911C>T, p.Pro304Leu (NM_001303110.2); short protein forms P304L.
Identifiers: ClinVar variation 707708 (VCV000707708.43), dbSNP rs34843786, ClinGen allele CA7048220.